The following is an entry in ClinVar:

ClinVar aggregate classification (germline): Uncertain significance (1 of 4 stars; one submission).

Conditions:
Curry-Jones syndrome (CRJS). Identifiers: Orphanet 1553, MedGen C0795915, MONDO:0011134, OMIM 601707.

Allele frequency attached by ClinVar (database versions not stated): gnomAD exomes 0.00001; TOPMed 0.00002.
gnomAD v4.1: 3 of 1,613,902 alleles (0.00019%); highest among the groups gnomAD compares: Non-Finnish European, 0.00025%; no homozygotes.

Submission:

Clinical Genomics Laboratory, Washington University in St. Louis
Classification: Uncertain significance for Curry-Jones syndrome. Last evaluated: 2023-09-13. Review status: criteria provided, single submitter. Criteria: ACMG Guidelines, 2015. Collection method: clinical testing. Allele origin: germline.
Comment: The SMO c.771G>A (p.Arg257=) variant was identified at near heterozygous allelic fraction. To our knowledge, this variant has not been reported in the medical literature and is absent from the general population (gnomAD v.3.1.2), indicating it is not a common variant. Computational predictors are uncertain as to the impact of this variant on SMO function. Due to limited information, and based on ACMG/AMP guidelines for variant interpretation (Richards S et al., PMID: 25741868), this variant is classified as being of uncertain significance at this time.

NM_005631.5(SMO):c.771G>A (p.Arg257=)

Gene: SMO (smoothened, frizzled class receptor; plus strand). Cytogenetic location: 7q32.1.
Variant type: single nucleotide variant.
Coding change: c.771G>A on transcript NM_005631.5 (MANE Select); coding-DNA position 771, G replaced by A.
Protein change: p.Arg257=; no amino-acid change (arginine 257 retained).
Molecular consequence: synonymous variant.
Genome position (GRCh38, 1-based): chr7:129,205,633, G>A. VCF-style: chr7-129205633-G-A. GRCh37 (hg19) VCF-style: chr7-128845474-G-A.
Identifiers: ClinVar variation 2672133 (VCV002672133.1), dbSNP rs1161588469, ClinGen allele CA457625145.